The following is an entry in ClinVar:

ClinVar aggregate classification (germline): Likely pathogenic. Review status: reviewed by expert panel (3 of 4 stars). 3 submissions from 3 submitters: Likely pathogenic (1). 2 of the submissions do not count toward it. Last evaluated 2026-10-20.

Conditions:
Severe combined immunodeficiency disease. Also called: Severe Combined Immune Deficiency; Severe combined immunodeficiency. Identifiers: Orphanet 183660, MedGen C0085110, MeSH D016511, MONDO:0015974, HP:0004430. Inheritance: X-Linked or Autosomal recessive.
Severe combined immunodeficiency, autosomal recessive, T cell-negative, B cell-negative, NK cell-negative, due to adenosine deaminase deficiency. Also called: ADA-SCID; SCID DUE TO ADA DEFICIENCY; SCID DUE TO ADA DEFICIENCY, EARLY-ONSET; ADA deficiency; Adenosine deaminase deficient severe combined immunodeficiency; Severe combined immunodeficiency due to ADA deficiency. Identifiers: Orphanet 277, MedGen C0392607, MONDO:0007064, OMIM 102700.

Submissions (3):

ClinGen Severe Combined Immunodeficiency Variant Curation Expert Panel, ClinGen
Classification: Likely pathogenic for Severe combined immunodeficiency, autosomal recessive, T cell-negative, B cell-negative, NK cell-negative, due to adenosine deaminase deficiency. Last evaluated: 2026-10-20. Review status: reviewed by expert panel. Criteria: ClinGen SCID ACMG Specifications ADA V2.2. Collection method: curation. Allele origin: germline. Inheritance: Autosomal recessive inheritance.
Comment: Summary: NM_000022.4(ADA):c.845G>T is a missense variant predicted to result in the substitution of arginine with leucine at amino acid 282 (p.Arg282Leu). This variant occurs at the exon 9/intron 9 junction; minigene splicing assays and T-cell studies (Santisteban et al. 2025, PMID 39182630) demonstrate that c.845G>T causes skipping of exon 9, introducing a premature stop codon 4 codons downstream and preventing production of the mutant protein in vivo, with SpliceAI independently predicting the same outcome. This results in the loss of more than 10% of the protein, and other pathogenic variants have already been described downstream, meeting PVS1_Strong. The Grpmax filtering allele frequency of this variant is 0.00000875 (South Asian) in gnomAD v4.1.1, which is lower than the ClinGen SCID VCEP threshold (<0.0001742) for PM2_Supporting for ADA, therefore meets this criterion (PM2_Supporting). No homozygotes have been observed. This variant has been detected in two individuals with ADA-SCID (Santisteban et al. 2025, PMID 39182630, Table IV, Patients 6 and 7). Patient 6 was homozygous for c.845G>T (consanguinity not confirmed; 0.5 pt). Patient 7 was compound heterozygous for c.845G>T and c.716G>A (p.Gly239Asp), confirmed in trans (allele 1/allele 2); c.716G>A is classified Pathogenic by the SCID-VCEP (1.0 pt). Total: 1.5 points, meeting PM3. At least one patient with this variant (Patient 6) had undetectable RBC ADA activity with markedly elevated RBC dAXP (55.4% of total adenine nucleotides). Total: 5.0 points, meeting PP4_Moderate. In summary, this variant meets the criteria to be classified as Likely Pathogenic for autosomal recessive severe combined immunodeficiency due to ADA deficiency based on the ACMG/AMP criteria applied, as specified by the ClinGen SCID VCEP: PVS1_Strong, PM2_Supporting, PM3, PP4_Moderate (VCEP specifications version 2.2).

Women's Health and Genetics/Laboratory Corporation of America, LabCorp
Classification: Likely pathogenic for Severe combined immunodeficiency disease. Last evaluated: 2024-04-08. Review status: criteria provided, single submitter. Criteria: LabCorp Variant Classification Summary - May 2015. Collection method: clinical testing. Allele origin: germline. Not counted in ClinVar's aggregate classification.
Comment: Variant summary: ADA c.845G>T (p.Arg282Leu) results in a non-conservative amino acid change located in the adenosine deaminase domain (IPR001365) of the encoded protein sequence. Five of five in-silico tools predict a damaging effect of the variant on protein function. Several computational tools predict a significant impact on normal splicing: Two predict the variant abolishes a 5' splicing donor site. Two predict the variant weakens a 5' donor site. However, these predictions have yet to be confirmed by functional studies. The variant allele was found at a frequency of 4e-06 in 251334 control chromosomes (gnomAD). c.845G>T has been reported in the literature in at least two homozygous individuals affected with Severe Combined Immunodeficiency (Vignesh_2020, Rawat_2022). These data indicate that the variant is likely to be associated with disease. To our knowledge, no experimental evidence demonstrating an impact on protein function has been reported. The following publications have been ascertained in the context of this evaluation (PMID: 35729272, 33628209). ClinVar contains an entry for this variant (Variation ID: 2680695). Based on the evidence outlined above, the variant was classified as likely pathogenic.

Baylor Genetics
Classification: Likely pathogenic for Severe combined immunodeficiency, autosomal recessive, T cell-negative, B cell-negative, NK cell-negative, due to adenosine deaminase deficiency. Last evaluated: 2023-06-07. Review status: criteria provided, single submitter. Criteria: ACMG Guidelines, 2015. Collection method: clinical testing. Allele origin: unknown. Not counted in ClinVar's aggregate classification.

Literature cited by the submitters: PubMed 33628209 (cited by Women's Health and Genetics/Laboratory Corporation of America, LabCorp); PubMed 35729272 (cited by Women's Health and Genetics/Laboratory Corporation of America, LabCorp).

NM_000022.4(ADA):c.845G>T (p.Arg282Leu)

Gene: ADA (adenosine deaminase; minus strand). Cytogenetic location: 20q13.12.
Variant type: single nucleotide variant.
Coding change: c.845G>T on transcript NM_000022.4 (MANE Select); coding-DNA position 845, G replaced by T.
Protein change: p.Arg282Leu; replaces arginine 282 with leucine.
Molecular consequence: missense variant.
Genome position (GRCh38, 1-based): chr20:44,622,588, C>A on the plus strand (G>T on the coding strand, the complement: ADA is on the minus strand). VCF-style: chr20-44622588-C-A. GRCh37 (hg19) VCF-style: chr20-43251229-C-A.
Other names: NR_136160.2:n.872+241G>T; c.440G>T, p.Arg147Leu (NM_001322050.2); c.773G>T, p.Arg258Leu (NM_001322051.2); short protein forms R147L, R258L, R282L.
Identifiers: ClinVar variation 2680695 (VCV002680695.3), dbSNP rs751635016, ClinGen allele CA409119817.
Genomic context (GRCh38, chr20:44,622,588, plus strand): 5'-TTCTTCCCTCTTTGGCCTTCCTGGAACAAAATTGAACAGGCCCAGGGGAACAGAGCTCAC[C>A]GAATGACTGCATGCTCCGTGTCCGGCTTCCAGGCACCAGTGAGGTAGCTGGACCAGGGGC-3'
Protein context (NP_000013.2, residues 272-292): WKPDTEHAVI[Arg282Leu]LKNDQANYSL